The following is an entry in ClinVar:

ClinVar aggregate classification (germline): Uncertain significance (1 of 4 stars; one submission).

Conditions:
Early-infantile DEE. Also called: Ohtahara syndrome; Early infantile epileptic encephalopathy with suppression bursts; Early infantile epileptic encephalopathy. Identifiers: Orphanet 1934, MedGen C0393706, MONDO:0800491.

Allele frequency attached by ClinVar (database versions not stated): gnomAD exomes below 0.00001.
gnomAD v4.1: 6 of 1,614,032 alleles (0.00037%); highest among the groups gnomAD compares: Non-Finnish European, 0.00051%; no homozygotes.

Submission:

Labcorp Genetics (formerly Invitae), Labcorp
Classification: Uncertain significance for Early-infantile DEE. Last evaluated: 2022-05-12. Review status: criteria provided, single submitter. Criteria: Invitae Variant Classification Sherloc (09022015). Collection method: clinical testing. Allele origin: germline.
Comment: In summary, the available evidence is currently insufficient to determine the role of this variant in disease. Therefore, it has been classified as a Variant of Uncertain Significance. Advanced modeling of protein sequence and biophysical properties (such as structural, functional, and spatial information, amino acid conservation, physicochemical variation, residue mobility, and thermodynamic stability) performed at Invitae indicates that this missense variant is not expected to disrupt HCN1 protein function. This variant has not been reported in the literature in individuals affected with HCN1-related conditions. This variant is not present in population databases (gnomAD no frequency). This sequence change replaces arginine, which is basic and polar, with lysine, which is basic and polar, at codon 784 of the HCN1 protein (p.Arg784Lys).

NM_021072.4(HCN1):c.2351G>A (p.Arg784Lys)

Gene: HCN1 (hyperpolarization activated cyclic nucleotide gated potassium channel 1; minus strand). Cytogenetic location: 5p12.
Variant type: single nucleotide variant.
Coding change: c.2351G>A on transcript NM_021072.4 (MANE Select); coding-DNA position 2351, G replaced by A.
Protein change: p.Arg784Lys; replaces arginine 784 with lysine.
Molecular consequence: missense variant.
Genome position (GRCh38, 1-based): chr5:45,262,243, C>T on the plus strand (G>A on the coding strand, the complement: HCN1 is on the minus strand). VCF-style: chr5-45262243-C-T. GRCh37 (hg19) VCF-style: chr5-45262345-C-T.
Other names: short protein forms R784K.
Identifiers: ClinVar variation 2168118 (VCV002168118.4), dbSNP rs2111838926, ClinGen allele CA359703514.
Genomic context (GRCh38, chr5:45,262,243, plus strand): 5'-GGTCTGGAAATCAGAGTGGACACCTCATGGGGCAGCGAGGGCTGCGAGGCGGAGAGTGGC[C>T]TGACTTCCCGGGTCAGGTTGGTGTTGTGAAGCGCCTGCGTGCTCTTGTGCACTTCATTTT-3'
Protein context (NP_066550.2, residues 774-794): LHNTNLTREV[Arg784Lys]PLSASQPSLP